The following is an entry in ClinVar:

ClinVar aggregate classification (germline): Uncertain significance. Review status: criteria provided, multiple submitters, no conflicts (2 of 4 stars). 6 submissions from 4 submitters: Uncertain significance (6). Last evaluated 2025-09-13.

Conditions:
Cardiomyopathy (CMYO). Also called: Cardiomyopathies. Identifiers: Orphanet 167848, MedGen C0878544, MONDO:0004994, HP:0001638. Inheritance: Various modes of inheritance.
Cardiomyopathy, familial restrictive, 3. Identifiers: Orphanet 75249, MedGen C2676271, MONDO:0012900, OMIM 612422.
Hypertrophic cardiomyopathy 2. Also called: TNNT2-Related Familial Hypertrophic Cardiomyopathy. Identifiers: MedGen C1861864, MONDO:0007266, OMIM 115195.
Dilated cardiomyopathy 1D. Identifiers: Orphanet 154, Orphanet 54260, MedGen C1832243, MONDO:0011095, OMIM 601494.

Allele frequency attached by ClinVar (database versions not stated): gnomAD 0.00001; gnomAD exomes 0.00001; TOPMed 0.00001.
gnomAD v4.1: 6 of 1,614,054 alleles (0.00037%); highest among the groups gnomAD compares: East Asian, 0.011%; no homozygotes.

Submissions (6):

Labcorp Genetics (formerly Invitae), Labcorp
Classification: Uncertain significance for Cardiomyopathy, familial restrictive, 3; Hypertrophic cardiomyopathy 2; Dilated cardiomyopathy 1D. Last evaluated: 2025-09-13. Review status: criteria provided, single submitter. Criteria: Invitae Variant Classification Sherloc (09022015). Collection method: clinical testing. Allele origin: germline.
Comment: This sequence change falls in intron 7 of the TNNT2 gene. It does not directly change the encoded amino acid sequence of the TNNT2 protein. It affects a nucleotide within the consensus splice site. This variant is present in population databases (no rsID available, gnomAD 0.02%). This variant has not been reported in the literature in individuals affected with TNNT2-related conditions. ClinVar contains an entry for this variant (Variation ID: 2140259). Variants that disrupt the consensus splice site are a relatively common cause of aberrant splicing (PMID: 17576681, 9536098). Algorithms developed to predict the effect of sequence changes on RNA splicing suggest that this variant is not likely to affect RNA splicing. In summary, the available evidence is currently insufficient to determine the role of this variant in disease. Therefore, it has been classified as a Variant of Uncertain Significance.

Color Diagnostics, LLC DBA Color Health
Classification: Uncertain significance for Cardiomyopathy. Last evaluated: 2024-01-02. Review status: criteria provided, single submitter. Criteria: ACMG Guidelines, 2015. Collection method: clinical testing. Allele origin: germline.
Comment: This variant causes a G to A nucleotide substitution at the +3 position of intron 7 of the TNNT2 gene. Splice site prediction tools suggest that this variant may impact RNA splicing. To our knowledge, functional studies have not been reported for this variant. This variant has not been reported in individuals affected with TNNT2-related disorders in the literature. This variant has been identified in 4/282848 chromosomes in the general population by the Genome Aggregation Database (gnomAD). The available evidence is insufficient to determine the role of this variant in disease conclusively. Therefore, this variant is classified as a Variant of Uncertain Significance.

Genome-Nilou Lab
Classification: Uncertain significance for Dilated cardiomyopathy 1D. Last evaluated: 2023-04-11. Review status: criteria provided, single submitter. Criteria: ACMG Guidelines, 2015. Collection method: clinical testing. Allele origin: germline. Affected: no.

Genome-Nilou Lab
Classification: Uncertain significance for Cardiomyopathy, familial restrictive, 3. Last evaluated: 2023-04-11. Review status: criteria provided, single submitter. Criteria: ACMG Guidelines, 2015. Collection method: clinical testing. Allele origin: germline. Affected: no.

Genome-Nilou Lab
Classification: Uncertain significance for Hypertrophic cardiomyopathy 2. Last evaluated: 2023-04-11. Review status: criteria provided, single submitter. Criteria: ACMG Guidelines, 2015. Collection method: clinical testing. Allele origin: germline. Affected: no.

CHEO Genetics Diagnostic Laboratory, Children's Hospital of Eastern Ontario
Classification: Uncertain significance for Cardiomyopathy. Last evaluated: 2021-11-15. Review status: criteria provided, single submitter. Criteria: ACMG Guidelines, 2015. Collection method: clinical testing. Allele origin: germline.

Literature cited by the submitters: PubMed 17576681 (cited by Labcorp Genetics (formerly Invitae), Labcorp); PubMed 9536098 (cited by Labcorp Genetics (formerly Invitae), Labcorp).

NM_001276345.2(TNNT2):c.233+3G>A

Gene: TNNT2 (troponin T2, cardiac type; minus strand). Cytogenetic location: 1q32.1.
Variant type: single nucleotide variant.
Coding change: c.233+3G>A on transcript NM_001276345.2 (MANE Select); 3 bases into the intron after coding-DNA position 233, G replaced by A.
Molecular consequence: intron variant.
Genome position (GRCh38, 1-based): chr1:201,366,835, C>T on the plus strand (G>A on the coding strand, the complement: TNNT2 is on the minus strand). VCF-style: chr1-201366835-C-T. GRCh37 (hg19) VCF-style: chr1-201335963-C-T.
Other names: c.203+3G>A (NM_001001430.1, NM_001001431.3, NM_001001430.3 and 1 more transcripts); c.188+3G>A (NM_001001432.3); c.230+3G>A (NM_001276346.2); c.233+3G>A (NM_000364.4).
Identifiers: ClinVar variation 2140259 (VCV002140259.7), dbSNP rs113624085, ClinGen allele CA528093766.